The following is an entry in ClinVar:

ClinVar aggregate classification (germline): Uncertain significance. Review status: criteria provided, multiple submitters, no conflicts (2 of 4 stars). 6 submissions from 6 submitters: Uncertain significance (6). Last evaluated 2023-08-19.

Conditions:
Familial thoracic aortic aneurysm and aortic dissection (TAAD). Also called: Thoracic aortic aneurysms and dissections. Identifiers: Orphanet 91387, MedGen C4707243, MONDO:0019625.
Aortic aneurysm, familial thoracic 4 (AAT4). Also called: AORTIC ANEURYSM/AORTIC DISSECTION AND PATENT DUCTUS ARTERIOSUS. Identifiers: MedGen C1851504, MONDO:0007568, OMIM 132900.

Allele frequency attached by ClinVar (database versions not stated): gnomAD exomes below 0.00001; gnomAD 0.00001; TOPMed 0.00001.
gnomAD v4.1: 8 of 1,614,034 alleles (0.0005%); highest among the groups gnomAD compares: East Asian, 0.0022%; no homozygotes.

Submissions (6):

Labcorp Genetics (formerly Invitae), Labcorp
Classification: Uncertain significance for Aortic aneurysm, familial thoracic 4. Last evaluated: 2023-08-19. Review status: criteria provided, single submitter. Criteria: Invitae Variant Classification Sherloc (09022015). Collection method: clinical testing. Allele origin: germline.
Comment: This sequence change replaces threonine, which is neutral and polar, with methionine, which is neutral and non-polar, at codon 116 of the MYH11 protein (p.Thr116Met). This variant is not present in population databases (gnomAD no frequency). This variant has not been reported in the literature in individuals affected with MYH11-related conditions. ClinVar contains an entry for this variant (Variation ID: 1028022). An algorithm developed to predict the effect of missense changes on protein structure and function (PolyPhen-2) suggests that this variant is likely to be disruptive. In summary, the available evidence is currently insufficient to determine the role of this variant in disease. Therefore, it has been classified as a Variant of Uncertain Significance.

All of Us Research Program, National Institutes of Health
Classification: Uncertain significance for Familial thoracic aortic aneurysm and aortic dissection. Last evaluated: 2023-08-15. Review status: criteria provided, single submitter. Criteria: ACMG Guidelines, 2015. Collection method: clinical testing. Allele origin: germline. Inheritance: Autosomal dominant inheritance. Observed: 1 variant allele, 1 heterozygote.
Comment: This missense variant replaces threonine with methionine at codon 116 of the MYH11 protein. Computational prediction suggests that this variant may have deleterious impact on protein structure and function (internally defined REVEL score threshold >= 0.7, PMID: 27666373). To our knowledge, functional studies have not been reported for this variant. This variant has not been reported in individuals affected with cardiovascular disorders in the literature. This variant has not been identified in the general population by the Genome Aggregation Database (gnomAD). The available evidence is insufficient to determine the role of this variant in disease conclusively. Therefore, this variant is classified as a Variant of Uncertain Significance.

This study involves interpretation of variants in research participants for the purpose of population health screening. Participant phenotype was not available at the time of variant classification. Additional details can be found in publication PMID: 35346344, PMCID: PMC8962531

Color Diagnostics, LLC DBA Color Health
Classification: Uncertain significance for Familial thoracic aortic aneurysm and aortic dissection. Last evaluated: 2021-12-28. Review status: criteria provided, single submitter. Criteria: ACMG Guidelines, 2015. Collection method: clinical testing. Allele origin: germline.
Comment: This missense variant replaces threonine with methionine at codon 116 of the MYH11 protein. Computational prediction suggests that this variant may have deleterious impact on protein structure and function (internally defined REVEL score threshold >= 0.7, PMID: 27666373). To our knowledge, functional studies have not been reported for this variant. This variant has not been reported in individuals affected with cardiovascular disorders in the literature. This variant has not been identified in the general population by the Genome Aggregation Database (gnomAD). The available evidence is insufficient to determine the role of this variant in disease conclusively. Therefore, this variant is classified as a Variant of Uncertain Significance.

AiLife Diagnostics
Classification: Uncertain significance. Last evaluated: 2021-08-11. Review status: criteria provided, single submitter. Criteria: ACMG Guidelines, 2015. Collection method: clinical testing. Allele origin: germline. Affected: yes. Observed: 1 variant allele.

GeneDx
Classification: Uncertain significance. Last evaluated: 2021-05-14. Review status: criteria provided, single submitter. Criteria: GeneDx Variant Classification Process June 2021. Collection method: clinical testing. Allele origin: germline. Affected: yes.
Comment: Has not been previously published as pathogenic or benign to our knowledge; Not observed in large population cohorts (Lek et al., 2016); In silico analysis supports that this missense variant has a deleterious effect on protein structure/function; Reported in ClinVar as a variant of uncertain significance (ClinVar Variant ID# 1028022; Landrum et al., 2016)

Baylor Genetics
Classification: Uncertain significance for Aortic aneurysm, familial thoracic 4. Last evaluated: 2019-02-21. Review status: criteria provided, single submitter. Criteria: ACMG Guidelines, 2015. Collection method: clinical testing. Allele origin: paternal. Affected: yes.
Comment: This variant was determined to be of uncertain significance according to ACMG Guidelines, 2015 [PMID:25741868].

NM_002474.3(MYH11):c.347C>T (p.Thr116Met)

Gene: MYH11 (myosin heavy chain 11; minus strand). Cytogenetic location: 16p13.11.
Variant type: single nucleotide variant.
Coding change: c.347C>T on transcript NM_002474.3 (MANE Select); coding-DNA position 347, C replaced by T.
Protein change: p.Thr116Met; replaces threonine 116 with methionine.
Molecular consequence: missense variant.
Genome position (GRCh38, 1-based): chr16:15,823,410, G>A on the plus strand (C>T on the coding strand, the complement: MYH11 is on the minus strand). VCF-style: chr16-15823410-G-A. GRCh37 (hg19) VCF-style: chr16-15917267-G-A.
Other names: c.347C>T, p.Thr116Met (NM_001040113.2, NM_001040114.2, NM_022844.3); short protein forms T116M.
Identifiers: ClinVar variation 1028022 (VCV001028022.13), dbSNP rs1220795088, ClinGen allele CA394882926.
Genomic context (GRCh38, chr16:15,823,410, plus strand): 5'-TCCGAGTAGATGGGCAGGTGTTTATAGGGGTTGACCACCACGCAGAAGAGGCCAGAGTAC[G>A]TCTGCAGACAGAGAACCCAGCTTACTTCCAGACCTCCTCCAGGGTAGACAGATTGCACAG-3'
Protein context (NP_002465.1, residues 106-126): RERYFSGLIY[Thr116Met]YSGLFCVVVN